The following is an entry in ClinVar:

ClinVar aggregate classification (germline): Benign/Likely benign. Review status: criteria provided, multiple submitters, no conflicts (2 of 4 stars). 2 submissions from 2 submitters: Benign (1); Likely benign (1). Last evaluated 2026-01-25.

Conditions:
Congenital muscular dystrophy due to integrin alpha-7 deficiency. Also called: MYOPATHY, CONGENITAL, DUE TO INTEGRIN ALPHA-7 DEFICIENCY; Congenital muscular dystrophy with integrin alpha-7 deficiency; Muscular dystrophy, congenital, due to ITGA7 deficiency. Identifiers: Orphanet 34520, MedGen C2750786, MONDO:0013177, OMIM 613204.

Allele frequency attached by ClinVar (database versions not stated): gnomAD 0.00004 and 0.00033; TOPMed 0.00008; gnomAD exomes 0.00052 and 0.00113; ExAC 0.00144; 1000 Genomes Project 0.00260; 1000 Genomes Project 30x 0.00281.
gnomAD v4.1: 826 of 1,612,116 alleles (0.051%); highest among the groups gnomAD compares: South Asian, 0.84%; 11 homozygotes.

Submissions (2):

Labcorp Genetics (formerly Invitae), Labcorp
Classification: Benign for Congenital muscular dystrophy due to integrin alpha-7 deficiency. Last evaluated: 2026-01-25. Review status: criteria provided, single submitter. Criteria: Invitae Variant Classification Sherloc (09022015). Collection method: clinical testing. Allele origin: germline.

GeneDx
Classification: Likely benign. Last evaluated: 2016-01-12. Review status: criteria provided, single submitter. Criteria: GeneDx Variant Classification (06012015). Collection method: clinical testing. Allele origin: germline. Affected: yes.
Comment: This variant is considered likely benign or benign based on one or more of the following criteria: it is a conservative change, it occurs at a poorly conserved position in the protein, it is predicted to be benign by multiple in silico algorithms, and/or has population frequency not consistent with disease.

NM_002206.3(ITGA7):c.1568-18T>C

Gene: ITGA7 (integrin subunit alpha 7; minus strand). Cytogenetic location: 12q13.2.
Variant type: single nucleotide variant.
Coding change: c.1568-18T>C on transcript NM_002206.3 (MANE Select); 18 bases into the intron before coding-DNA position 1568, T replaced by C.
Molecular consequence: intron variant.
Genome position (GRCh38, 1-based): chr12:55,697,086, A>G on the plus strand (T>C on the coding strand, the complement: ITGA7 is on the minus strand). VCF-style: chr12-55697086-A-G. GRCh37 (hg19) VCF-style: chr12-56090870-A-G.
Other names: c.1448-18T>C (NM_001414032.1); c.1481-18T>C (NM_001414031.1); c.1568-36T>C (NM_001374465.1); c.1568-18T>C (NM_001414034.1); c.1493-18T>C (NM_001414030.1); c.1580-36T>C (NM_001414029.1); c.1580-18T>C (NM_001144996.2); c.1700-18T>C (NM_001410977.1); and 5 more.
Identifiers: ClinVar variation 382673 (VCV000382673.15), dbSNP rs371316432, ClinGen allele CA6615893.